The following is an entry in ClinVar:

NM_006206.6(PDGFRA):c.1530G>C (p.Glu510Asp)

Gene: PDGFRA (platelet derived growth factor receptor alpha; plus strand). Cytogenetic location: 4q12.
Variant type: single nucleotide variant.
Coding change: c.1530G>C on transcript NM_006206.6 (MANE Select); coding-DNA position 1530, G replaced by C.
Protein change: p.Glu510Asp; replaces glutamic acid 510 with aspartic acid.
Molecular consequence: missense variant.
Genome position (GRCh38, 1-based): chr4:54,273,702, G>C. VCF-style: chr4-54273702-G-C. GRCh37 (hg19) VCF-style: chr4-55139869-G-C.
Other names: c.1530G>C, p.Glu510Asp (NM_001347827.2, NM_001347829.2); c.1605G>C, p.Glu535Asp (NM_001347828.2); c.1569G>C, p.Glu523Asp (NM_001347830.2); short protein forms E510D, E535D, E523D.
Identifiers: ClinVar variation 3416373 (VCV003416373.2).

ClinVar aggregate classification (germline): Uncertain significance. Review status: criteria provided, multiple submitters, no conflicts (2 of 4 stars). 2 submissions from 2 submitters: Uncertain significance (2). Last evaluated 2025-10-26.

Conditions:
Gastrointestinal stromal tumor. Also called: Gastrointestinal stromal tumor, somatic; Gastrointestinal stroma tumor. Identifiers: Orphanet 44890, MedGen C0238198, MeSH D046152, MONDO:0011719, OMIM 606764, HP:0100723.
Hereditary cancer-predisposing syndrome. Also called: Neoplastic Syndromes, Hereditary; Tumor predisposition; Hereditary Cancer Syndrome; Hereditary neoplastic syndrome. Identifiers: Orphanet 140162, MedGen C0027672, MeSH D009386, MONDO:0015356.

Submissions (2):

Labcorp Genetics (formerly Invitae), Labcorp
Classification: Uncertain significance for Gastrointestinal stromal tumor. Last evaluated: 2025-10-26. Review status: criteria provided, single submitter. Criteria: Invitae Variant Classification Sherloc (09022015). Collection method: clinical testing. Allele origin: germline.
Comment: This sequence change replaces glutamic acid, which is acidic and polar, with aspartic acid, which is acidic and polar, at codon 510 of the PDGFRA protein (p.Glu510Asp). This variant is not present in population databases (gnomAD no frequency). This variant has not been reported in the literature in individuals affected with PDGFRA-related conditions. ClinVar contains an entry for this variant (Variation ID: 3416373). An algorithm developed to predict the effect of missense changes on protein structure and function (PolyPhen-2) suggests that this variant is likely to be tolerated. In summary, the available evidence is currently insufficient to determine the role of this variant in disease. Therefore, it has been classified as a Variant of Uncertain Significance.

Ambry Genetics
Classification: Uncertain significance for Hereditary cancer-predisposing syndrome. Last evaluated: 2024-09-24. Review status: criteria provided, single submitter. Criteria: Ambry Variant Classification Scheme 2023. Collection method: clinical testing. Allele origin: germline.
Comment: The p.E510D variant (also known as c.1530G>C), located in coding exon 9 of the PDGFRA gene, results from a G to C substitution at nucleotide position 1530. The glutamic acid at codon 510 is replaced by aspartic acid, an amino acid with highly similar properties. This amino acid position is conserved. In addition, this alteration is predicted to be tolerated by in silico analysis. Based on the available evidence, the clinical significance of this variant remains unclear.